The following is an entry in ClinVar:

ClinVar aggregate classification (germline): Uncertain significance. Review status: criteria provided, multiple submitters, no conflicts (2 of 4 stars). 2 submissions from 2 submitters: Uncertain significance (2). Last evaluated 2025-07-16.

Conditions:
Ullrich congenital muscular dystrophy 2 (UCMD2). Identifiers: Orphanet 75840, MedGen C4225314, MONDO:0014654, OMIM 616470.
Bethlem myopathy 2 (BTHLM2). Identifiers: Orphanet 536516, Orphanet 610, MedGen C4225313, MONDO:0034022, OMIM 616471.

Allele frequency attached by ClinVar (database versions not stated): gnomAD exomes below 0.00001.
gnomAD v4.1: 1 of 1,540,758 alleles (0.000065%); highest among the groups gnomAD compares: Non-Finnish European, 0.000087%; no homozygotes.

Submissions (2):

Labcorp Genetics (formerly Invitae), Labcorp
Classification: Uncertain significance for Bethlem myopathy 2; Ullrich congenital muscular dystrophy 2. Last evaluated: 2025-07-16. Review status: criteria provided, single submitter. Criteria: Invitae Variant Classification Sherloc (09022015). Collection method: clinical testing. Allele origin: germline.
Comment: This sequence change replaces proline, which is neutral and non-polar, with serine, which is neutral and polar, at codon 2775 of the COL12A1 protein (p.Pro2775Ser). This variant is not present in population databases (gnomAD no frequency). This variant has not been reported in the literature in individuals affected with COL12A1-related conditions. ClinVar contains an entry for this variant (Variation ID: 2576940). Invitae Evidence Modeling of protein sequence and biophysical properties (such as structural, functional, and spatial information, amino acid conservation, physicochemical variation, residue mobility, and thermodynamic stability) indicates that this missense variant is not expected to disrupt COL12A1 protein function with a negative predictive value of 80%. In summary, the available evidence is currently insufficient to determine the role of this variant in disease. Therefore, it has been classified as a Variant of Uncertain Significance.

GeneDx
Classification: Uncertain significance. Last evaluated: 2023-08-15. Review status: criteria provided, single submitter. Criteria: GeneDx Variant Classification Process June 2021. Collection method: clinical testing. Allele origin: germline. Affected: yes.
Comment: Has not been previously published as pathogenic or benign to our knowledge; Not observed at significant frequency in large population cohorts (gnomAD); In silico analysis supports that this missense variant has a deleterious effect on protein structure/function

NM_004370.6(COL12A1):c.8323C>T (p.Pro2775Ser)

Gene: COL12A1 (collagen type XII alpha 1 chain; minus strand). Cytogenetic location: 6q13.
Variant type: single nucleotide variant.
Coding change: c.8323C>T on transcript NM_004370.6 (MANE Select); coding-DNA position 8323, C replaced by T.
Protein change: p.Pro2775Ser; replaces proline 2775 with serine.
Molecular consequence: missense variant.
Genome position (GRCh38, 1-based): chr6:75,102,689, G>A on the plus strand (C>T on the coding strand, the complement: COL12A1 is on the minus strand). VCF-style: chr6-75102689-G-A. GRCh37 (hg19) VCF-style: chr6-75812405-G-A.
Other names: c.4831C>T, p.Pro1611Ser (NM_080645.3); short protein forms P1611S, P2775S.
Identifiers: ClinVar variation 2576940 (VCV002576940.2), dbSNP rs2533104569, ClinGen allele CA364739814.
Genomic context (GRCh38, chr6:75,102,689, plus strand): 5'-CCTGAGGGCCTGGAGGACCCTGGGGGCCTGGAGGACCTATGTCTCCACGAGGACCAGGGG[G>A]CCCCTAAAATACACAAGAGAGAGACAACCACAAAGTAATGTAATACCTTTTCAGTGCTGA-3'
Protein context (NP_004361.3, residues 2765-2785): GERGISGAIG[Pro2775Ser]PGPRGDIGPP